The following is an entry in ClinVar:

NM_000465.4(BARD1):c.1109G>T (p.Arg370Leu)

Gene: BARD1 (BRCA1 associated RING domain 1; minus strand). Cytogenetic location: 2q35.
Variant type: single nucleotide variant.
Coding change: c.1109G>T on transcript NM_000465.4 (MANE Select); coding-DNA position 1109, G replaced by T.
Protein change: p.Arg370Leu; replaces arginine 370 with leucine.
Molecular consequence: missense variant. On other transcripts: non-coding transcript variant (2), intron variant (3).
Genome position (GRCh38, 1-based): chr2:214,780,765, C>A on the plus strand (G>T on the coding strand, the complement: BARD1 is on the minus strand). VCF-style: chr2-214780765-C-A. GRCh37 (hg19) VCF-style: chr2-215645489-C-A.
Other names: c.1052G>T, p.Arg351Leu (NM_001282543.2); c.159-28210G>T (NM_001282548.2); c.215+16296G>T (NM_001282545.2); c.364+11532G>T (NM_001282549.2); c.1109G>T (NM_000465.2); short protein forms R351L, R370L.
Identifiers: ClinVar variation 925045 (VCV000925045.8), dbSNP rs730881416, ClinGen allele CA350454039.

ClinVar aggregate classification (germline): Conflicting classifications of pathogenicity. Review status: criteria provided, conflicting classifications (1 of 4 stars). 3 submissions from 3 submitters: Uncertain significance (2); Likely benign (1). Last evaluated 2025-08-11.

Conditions:
Hereditary cancer-predisposing syndrome. Also called: Neoplastic Syndromes, Hereditary; Tumor predisposition; Hereditary Cancer Syndrome; Hereditary neoplastic syndrome. Identifiers: Orphanet 140162, MedGen C0027672, MeSH D009386, MONDO:0015356.
Familial cancer of breast. Also called: BREAST CANCER, FAMILIAL; Hereditary breast cancer; hereditary breast carcinoma. Identifiers: Orphanet 227535, MedGen C0346153, MONDO:0016419, OMIM 114480. Disease mechanism: loss of function.

Submissions (3):

Ambry Genetics
Classification: Likely benign for Hereditary cancer-predisposing syndrome. Last evaluated: 2025-08-11. Review status: criteria provided, single submitter. Criteria: Ambry Variant Classification Scheme 2023. Collection method: clinical testing. Allele origin: germline.

Labcorp Genetics (formerly Invitae), Labcorp
Classification: Uncertain significance for Familial cancer of breast. Last evaluated: 2024-01-17. Review status: criteria provided, single submitter. Criteria: Invitae Variant Classification Sherloc (09022015). Collection method: clinical testing. Allele origin: germline.
Comment: This sequence change replaces arginine, which is basic and polar, with leucine, which is neutral and non-polar, at codon 370 of the BARD1 protein (p.Arg370Leu). This variant is not present in population databases (gnomAD no frequency). This variant has not been reported in the literature in individuals affected with BARD1-related conditions. ClinVar contains an entry for this variant (Variation ID: 925045). Algorithms developed to predict the effect of missense changes on protein structure and function output the following: SIFT: "Not Available"; PolyPhen-2: "Benign"; Align-GVGD: "Not Available". The leucine amino acid residue is found in multiple mammalian species, which suggests that this missense change does not adversely affect protein function. In summary, the available evidence is currently insufficient to determine the role of this variant in disease. Therefore, it has been classified as a Variant of Uncertain Significance.

Color Diagnostics, LLC DBA Color Health
Classification: Uncertain significance for Hereditary cancer-predisposing syndrome. Last evaluated: 2019-03-14. Review status: criteria provided, single submitter. Criteria: ACMG Guidelines, 2015. Collection method: clinical testing. Allele origin: germline.